The following is an entry in ClinVar:

NM_000256.3(MYBPC3):c.852-2A>G

Gene: MYBPC3 (myosin binding protein C3; minus strand). Cytogenetic location: 11p11.2.
Variant type: single nucleotide variant.
Coding change: c.852-2A>G on transcript NM_000256.3 (MANE Select); the canonical splice acceptor site of the intron before coding-DNA position 852, A replaced by G.
Molecular consequence: splice acceptor variant.
Genome position (GRCh38, 1-based): chr11:47,347,481, T>C on the plus strand (A>G on the coding strand, the complement: MYBPC3 is on the minus strand). VCF-style: chr11-47347481-T-C. GRCh37 (hg19) VCF-style: chr11-47369032-T-C.
Identifiers: ClinVar variation 572149 (VCV000572149.10), dbSNP rs1565629792, ClinGen allele CA380333414.

ClinVar aggregate classification (germline): Pathogenic/Likely pathogenic. Review status: criteria provided, multiple submitters, no conflicts (2 of 4 stars). 3 submissions from 3 submitters: Pathogenic (1); Likely pathogenic (2). Last evaluated 2022-06-24.

Conditions:
Hypertrophic cardiomyopathy 4. Also called: Familial hypertrophic cardiomyopathy 4. Identifiers: MedGen C1861862, MONDO:0007268, OMIM 115197.
Hypertrophic cardiomyopathy. Also called: HYPERTROPHIC MYOCARDIOPATHY. Identifiers: Orphanet 217569, MedGen C0007194, MeSH D002312, MONDO:0005045, HP:0001639.

Submissions (3):

Victorian Clinical Genetics Services, Murdoch Childrens Research Institute
Classification: Likely pathogenic for Hypertrophic cardiomyopathy 4. Last evaluated: 2022-06-24. Review status: criteria provided, single submitter. Criteria: ACMG Guidelines, 2015. Collection method: clinical testing. Allele origin: germline. Inheritance: Autosomal dominant inheritance.
Comment: Based on the classification scheme VCGS_Germline_v1.3.4, this variant is classified as Likely pathogenic. Following criteria are met: 0102 - Loss of function is a known mechanism of disease in this gene and is associated with hypertrophic cardiomyopathy 4 (HCM; MIM#115197). (I) 0108 - This gene is associated with both recessive and dominant disease. Dominant inheritance is frequently reported in adult onset conditions, however recessive inheritance results in a more severe early-onset phenotype (OMIM). (I) 0115 - Variants in this gene are known to have variable expressivity (PMID: 32841044). (I) 0211 - Canonical splice site variant without proven consequence on splicing (no functional evidence available). (SP) 0251 - This variant is heterozygous. (I) 0301 - Variant is absent from gnomAD (both v2 and v3). (SP) 0508 - In silico predictions for abnormal splicing are inconclusive. A new acceptor splice site of low confidence was predicted by NetGene2. However, it should also be noted that the wild type splice site was not predicted by both in silico tools that were used. (I) 0708 - Other canonical splice site variants comparable to the one identified in this case have conflicting previous evidence for pathogenicity. The c.852-1G>A and c.852-1G>T canonical splice site variants have been classified as pathogenic and VUS, respectively (ClinVar). (I) 0802 - This variant has moderate previous evidence of pathogenicity in unrelated individuals. This variant has been classified as likely pathogenic or pathogenic by two clinical diagnostic laboratories (ClinVar). It has also been identified within the Hypertrophic Cardiomyopathy Registry in a GWA study of HCM susceptibility and expressivity and classified as pathogenic (PMID: 33495597). (SP) 0905 - No published segregation evidence has been identified for this variant. (I) 1007 - No published functional evidence has been identified for this variant. (I) 1208 - Inheritance information for this variant is not currently available in this individual. (I) Legend: (SP) - Supporting pathogenic, (I) - Information, (SB) - Supporting benign

Center for Human Genetics, University of Leuven
Classification: Pathogenic for Hypertrophic cardiomyopathy. Last evaluated: 2018-10-31. Review status: criteria provided, single submitter. Criteria: ACMG Guidelines, 2015. Collection method: clinical testing. Allele origin: germline. Affected: yes.

Labcorp Genetics (formerly Invitae), Labcorp
Classification: Likely pathogenic for Hypertrophic cardiomyopathy. Last evaluated: 2018-03-28. Review status: criteria provided, single submitter. Criteria: Invitae Variant Classification Sherloc (09022015). Collection method: clinical testing. Allele origin: germline.
Comment: This sequence change affects an acceptor splice site in intron 8 of the MYBPC3 gene. It is expected to disrupt RNA splicing and likely results in an absent or disrupted protein product. This variant is not present in population databases (ExAC no frequency). In summary, the currently available evidence indicates that the variant is pathogenic, but additional data are needed to prove that conclusively. Therefore, this variant has been classified as Likely Pathogenic. Donor and acceptor splice site variants typically lead to a loss of protein function (PMID: 16199547), and loss-of-function variants in MYBPC3 are known to be pathogenic (PMID: 19574547). Algorithms developed to predict the effect of sequence changes on RNA splicing suggest that this variant may disrupt the consensus splice site, but this prediction has not been confirmed by published transcriptional studies. This variant has not been reported in the literature in individuals with MYBPC3-related disease.

Literature cited by the submitters: PubMed 32841044 (cited by Victorian Clinical Genetics Services, Murdoch Childrens Research Institute); PubMed 33495597 (cited by Victorian Clinical Genetics Services, Murdoch Childrens Research Institute); PubMed 16199547 (cited by Labcorp Genetics (formerly Invitae), Labcorp); PubMed 19574547 (cited by Labcorp Genetics (formerly Invitae), Labcorp).